The following is an entry in ClinVar:

NM_001844.5(COL2A1):c.4320A>T (p.Lys1440Asn)

Gene: COL2A1 (collagen type II alpha 1 chain; minus strand). Cytogenetic location: 12q13.11.
Variant type: single nucleotide variant.
Coding change: c.4320A>T on transcript NM_001844.5 (MANE Select); coding-DNA position 4320, A replaced by T.
Protein change: p.Lys1440Asn; replaces lysine 1440 with asparagine.
Molecular consequence: missense variant.
Genome position (GRCh38, 1-based): chr12:47,973,551, T>A on the plus strand (A>T on the coding strand, the complement: COL2A1 is on the minus strand). VCF-style: chr12-47973551-T-A. GRCh37 (hg19) VCF-style: chr12-48367334-T-A.
Other names: c.4113A>T, p.Lys1371Asn (NM_033150.3); c.4320A>T (NM_001844.4); short protein forms K1371N, K1440N.
Identifiers: ClinVar variation 2906743 (VCV002906743.4), dbSNP rs766537396, ClinGen allele CA384533371.
Genomic context (GRCh38, chr12:47,973,551, plus strand): 5'-GAGGCGTGAGGTCTTCTGTGACCGGTACTCGATAACAGTCTTGCCCCACTTACCGGTATG[T>A]TTCTAGGGGAGAAAAAAGGAGGAGGCTCTGTTCAGTAGATGCCTTGCTACCCAGTTCCAG-3'
Protein context (NP_001835.3, residues 1430-1450): TYTALKDGCT[Lys1440Asn]HTGKWGKTVI

ClinVar aggregate classification (germline): Uncertain significance. Review status: criteria provided, multiple submitters, no conflicts (2 of 4 stars). 2 submissions from 2 submitters: Uncertain significance (2). Last evaluated 2025-11-30.

Conditions:
Inborn genetic diseases. Identifiers: MedGen C0950123, MeSH D030342.

Allele frequency attached by ClinVar (database versions not stated): TOPMed 0.00002.
gnomAD v4.1: 5 of 1,613,910 alleles (0.00031%); highest among the groups gnomAD compares: Admixed American, 0.0083%; no homozygotes.

Submissions (2):

Labcorp Genetics (formerly Invitae), Labcorp
Classification: Uncertain significance. Last evaluated: 2025-11-30. Review status: criteria provided, single submitter. Criteria: Invitae Variant Classification Sherloc (09022015). Collection method: clinical testing. Allele origin: germline.
Comment: This sequence change replaces lysine, which is basic and polar, with asparagine, which is neutral and polar, at codon 1440 of the COL2A1 protein (p.Lys1440Asn). This variant is present in population databases (no rsID available, gnomAD 0.003%). This variant has not been reported in the literature in individuals affected with COL2A1-related conditions. ClinVar contains an entry for this variant (Variation ID: 2906743). Experimental studies and prediction algorithms are not available or were not evaluated, and the functional significance of this variant is currently unknown. In summary, the available evidence is currently insufficient to determine the role of this variant in disease. Therefore, it has been classified as a Variant of Uncertain Significance.

Ambry Genetics
Classification: Uncertain significance for Inborn genetic diseases. Last evaluated: 2025-02-13. Review status: criteria provided, single submitter. Criteria: Ambry Variant Classification Scheme 2023. Collection method: clinical testing. Allele origin: germline.